The following is an entry in ClinVar:

ClinVar aggregate classification (germline): Uncertain significance (1 of 4 stars; one submission).

Submission:

GeneDx
Classification: Uncertain significance. Last evaluated: 2023-10-26. Review status: criteria provided, single submitter. Criteria: GeneDx Variant Classification Process June 2021. Collection method: clinical testing. Allele origin: germline. Affected: yes.
Comment: Not observed at significant frequency in large population cohorts (gnomAD); In silico analysis supports that this missense variant has a deleterious effect on protein structure/function; Has not been previously published as pathogenic or benign to our knowledge

NM_001322934.2(NFKB2):c.1586C>T (p.Thr529Met)

Gene: NFKB2 (nuclear factor kappa B subunit 2; plus strand). Cytogenetic location: 10q24.32.
Variant type: single nucleotide variant.
Coding change: c.1586C>T on transcript NM_001322934.2 (MANE Select); coding-DNA position 1586, C replaced by T.
Protein change: p.Thr529Met; replaces threonine 529 with methionine.
Molecular consequence: missense variant.
Genome position (GRCh38, 1-based): chr10:102,400,279, C>T. VCF-style: chr10-102400279-C-T. GRCh37 (hg19) VCF-style: chr10-104160036-C-T.
Other names: c.1586C>T, p.Thr529Met (NM_001077494.3, NM_001261403.3, NM_001288724.1 and 1 more transcripts); c.1460C>T, p.Thr487Met (NM_001322935.1); short protein forms T487M, T529M.
Identifiers: ClinVar variation 3363340 (VCV003363340.1).